The following is an entry in ClinVar:

NM_001987.5(ETV6):c.431C>T (p.Pro144Leu)

Gene: ETV6 (ETS variant transcription factor 6; plus strand). Cytogenetic location: 12p13.2.
Variant type: single nucleotide variant.
Coding change: c.431C>T on transcript NM_001987.5 (MANE Select); coding-DNA position 431, C replaced by T.
Protein change: p.Pro144Leu; replaces proline 144 with leucine.
Molecular consequence: missense variant.
Genome position (GRCh38, 1-based): chr12:11,853,529, C>T. VCF-style: chr12-11853529-C-T. GRCh37 (hg19) VCF-style: chr12-12006463-C-T.
Other names: c.428C>T, p.Pro143Leu (NM_001413913.1); c.404C>T, p.Pro135Leu (NM_001413914.1); c.167C>T, p.Pro56Leu (NM_001413915.1); c.431C>T, p.Pro144Leu (NM_001413916.1, NM_001413917.1); short protein forms P144L, P135L, P143L, P56L.
Identifiers: ClinVar variation 3846498 (VCV003846498.1).

ClinVar aggregate classification (germline): Uncertain significance (1 of 4 stars; one submission).

Conditions:
Inborn genetic diseases. Identifiers: MedGen C0950123, MeSH D030342.

gnomAD v4.1: 5 of 1,614,192 alleles (0.00031%); highest among the groups gnomAD compares: Admixed American, 0.0017%; no homozygotes.

Submission:

Ambry Genetics
Classification: Uncertain significance for Inborn genetic diseases. Last evaluated: 2025-01-05. Review status: criteria provided, single submitter. Criteria: Ambry Variant Classification Scheme 2023. Collection method: clinical testing. Allele origin: germline.
Comment: The p.P144L variant (also known as c.431C>T), located in coding exon 4 of the ETV6 gene, results from a C to T substitution at nucleotide position 431. The proline at codon 144 is replaced by leucine, an amino acid with similar properties. This amino acid position is conserved. In addition, this alteration is predicted to be tolerated by in silico analysis. Based on the available evidence, the clinical significance of this variant remains unclear.